The following is an entry in ClinVar:

NC_000001.10:g.(?_216243423)_(216538447_?)del

Gene: USH2A (usherin; minus strand). Cytogenetic location: 1q41.
Variant type: Deletion.
Identifiers: ClinVar variation 1457277 (VCV001457277.5).

ClinVar aggregate classification (germline): Pathogenic (1 of 4 stars; one submission).

Submission:

Labcorp Genetics (formerly Invitae), Labcorp
Classification: Pathogenic. Last evaluated: 2022-01-05. Review status: criteria provided, single submitter. Criteria: Invitae Variant Classification Sherloc (09022015). Collection method: clinical testing. Allele origin: germline.
Comment: For these reasons, this variant has been classified as Pathogenic. This variant has not been reported in the literature in individuals affected with USH2A-related conditions. This variant is a gross deletion of the genomic region encompassing exon(s) 4-30 of the USH2A gene. This deletion is out-of-frame, and is expected to create a premature termination codon and result in an absent or disrupted protein product. Loss-of-function variants in USH2A are known to be pathogenic (PMID: 10729113, 10909849, 20507924, 25649381).

Literature cited by the submitters: PubMed 10729113; PubMed 10909849; PubMed 20507924; PubMed 25649381.